The following is an entry in ClinVar:

ClinVar aggregate classification (germline): Uncertain significance. Review status: criteria provided, multiple submitters, no conflicts (2 of 4 stars). 2 submissions from 2 submitters: Uncertain significance (2). Last evaluated 2024-12-12.

Conditions:
Inborn genetic diseases. Identifiers: MedGen C0950123, MeSH D030342.

Allele frequency attached by ClinVar (database versions not stated): gnomAD 0.00002; 1000 Genomes Project 30x 0.00021; gnomAD exomes 0.00001; 1000 Genomes Project 0.00026; TOPMed below 0.00001; ExAC 0.00001.
gnomAD v4.1: 6 of 1,208,340 alleles (0.0005%); highest among the groups gnomAD compares: East Asian, 0.012%; no homozygotes.

Submissions (2):

GeneDx
Classification: Uncertain significance. Last evaluated: 2024-12-12. Review status: criteria provided, single submitter. Criteria: GeneDx Variant Classification Process June 2021. Collection method: clinical testing. Allele origin: germline. Affected: yes.
Comment: Not observed at significant frequency in large population cohorts (gnomAD); In silico analysis indicates that this missense variant does not alter protein structure/function; Has not been previously published as pathogenic or benign to our knowledge.

Ambry Genetics
Classification: Uncertain significance for Inborn genetic diseases. Last evaluated: 2023-12-12. Review status: criteria provided, single submitter. Criteria: Ambry Variant Classification Scheme 2023. Collection method: clinical testing. Allele origin: germline.

NM_001368397.1(FRMPD4):c.2803A>G (p.Met935Val)

Gene: FRMPD4 (FERM and PDZ domain containing 4; plus strand). Cytogenetic location: Xp22.2.
Variant type: single nucleotide variant.
Coding change: c.2803A>G on transcript NM_001368397.1 (MANE Select); coding-DNA position 2803, A replaced by G.
Protein change: p.Met935Val; replaces methionine 935 with valine.
Molecular consequence: missense variant.
Genome position (GRCh38, 1-based): chrX:12,717,629, A>G. VCF-style: chrX-12717629-A-G. GRCh37 (hg19) VCF-style: chrX-12735748-A-G.
Other names: c.2914A>G, p.Met972Val (NM_001368395.3, NM_001368398.3); c.2809A>G, p.Met937Val (NM_001368396.3); c.2794A>G, p.Met932Val (NM_001368399.3); c.2683A>G, p.Met895Val (NM_001368400.3); c.2779A>G, p.Met927Val (NM_001368401.1, NM_001368402.3); c.2803A>G, p.Met935Val (NM_014728.3); short protein forms M932V, M937V, M935V, M927V, M895V, M972V.
Identifiers: ClinVar variation 3097023 (VCV003097023.2), dbSNP rs199539048, ClinGen allele CA10349514.
Genomic context (GRCh38, chrX:12,717,629, plus strand): 5'-GAAATGACTGAGAGTTCTGAACTGGCCACAGCACAAAAACAGTCAGAAAACCTCTCCCGC[A>G]TGTTCTTGGCCACTCACGAAGGCTACCACCCCCTTGCAGAAGAGCAGACCGAGTTCCCGG-3'
Protein context (NP_001355326.1, residues 925-945): AQKQSENLSR[Met935Val]FLATHEGYHP